The following is an entry in ClinVar:

NM_000112.4(SLC26A2):c.1952T>C (p.Ile651Thr)

Gene: SLC26A2 (solute carrier family 26 member 2; plus strand). Cytogenetic location: 5q32.
Variant type: single nucleotide variant.
Coding change: c.1952T>C on transcript NM_000112.4 (MANE Select); coding-DNA position 1952, T replaced by C.
Protein change: p.Ile651Thr; replaces isoleucine 651 with threonine.
Molecular consequence: missense variant.
Genome position (GRCh38, 1-based): chr5:149,981,545, T>C. VCF-style: chr5-149981545-T-C. GRCh37 (hg19) VCF-style: chr5-149361108-T-C.
Other names: short protein forms I651T.
Identifiers: ClinVar variation 3763759 (VCV003763759.2).

ClinVar aggregate classification (germline): Uncertain significance (1 of 4 stars; one submission).

Conditions:
Diastrophic dysplasia (DTD). Also called: Diastrophic dwarfism. Identifiers: Orphanet 628, MedGen C0220726, MONDO:0009107, OMIM 222600.
Multiple epiphyseal dysplasia type 4 (EDM4). Also called: SLC26A2-Related Multiple Epiphyseal Dysplasia; Multiple Epiphyseal Dysplasia, Recessive; MULTIPLE EPIPHYSEAL DYSPLASIA WITH BILAYERED PATELLAE; MULTIPLE EPIPHYSEAL DYSPLASIA WITH CLUBFOOT; MULTIPLE EPIPHYSEAL DYSPLASIA, AUTOSOMAL RECESSIVE. Identifiers: Orphanet 93307, MedGen C1847593, MONDO:0009189, OMIM 226900.
Achondrogenesis, type IB (ACG1B). Also called: Achondrogenesis Type 1B. Identifiers: Orphanet 932, Orphanet 93298, MedGen C0265274, MONDO:0010966, OMIM 600972.
Atelosteogenesis type II (AO2). Also called: SLC26A2-Related Atelosteogenesis; NEONATAL OSSEOUS DYSPLASIA I; Neonatal osseous dysplasia 1. Identifiers: Orphanet 56304, MedGen C1850554, MONDO:0009727, OMIM 256050.

gnomAD v4.1: 8 of 1,614,144 alleles (0.0005%); highest among the groups gnomAD compares: South Asian, 0.0044%; no homozygotes.

Submission:

Labcorp Genetics (formerly Invitae), Labcorp
Classification: Uncertain significance for Atelosteogenesis type II; Multiple epiphyseal dysplasia type 4; Achondrogenesis, type IB; Diastrophic dysplasia. Last evaluated: 2024-03-01. Review status: criteria provided, single submitter. Criteria: Invitae Variant Classification Sherloc (09022015). Collection method: clinical testing. Allele origin: germline.
Comment: This sequence change replaces isoleucine, which is neutral and non-polar, with threonine, which is neutral and polar, at codon 651 of the SLC26A2 protein (p.Ile651Thr). This variant is present in population databases (rs754107971, gnomAD 0.003%). This variant has not been reported in the literature in individuals affected with SLC26A2-related conditions. Advanced modeling of protein sequence and biophysical properties (such as structural, functional, and spatial information, amino acid conservation, physicochemical variation, residue mobility, and thermodynamic stability) performed at Invitae indicates that this missense variant is expected to disrupt SLC26A2 protein function with a positive predictive value of 80%. In summary, the available evidence is currently insufficient to determine the role of this variant in disease. Therefore, it has been classified as a Variant of Uncertain Significance.